The following is an entry in ClinVar:

ClinVar aggregate classification (germline): Uncertain significance. Review status: criteria provided, multiple submitters, no conflicts (2 of 4 stars). 2 submissions from 2 submitters: Uncertain significance (2). Last evaluated 2025-10-03.

Conditions:
GFAP-related disorder. Also called: GFAP-related condition; GFAP-related disorders.

Allele frequency attached by ClinVar (database versions not stated): ExAC 0.00001; gnomAD 0.00001; gnomAD exomes 0.00001; TOPMed 0.00003.
gnomAD v4.1: 6 of 1,613,900 alleles (0.00037%); highest among the groups gnomAD compares: Admixed American, 0.005%; no homozygotes.

Submissions (2):

Labcorp Genetics (formerly Invitae), Labcorp
Classification: Uncertain significance. Last evaluated: 2025-10-03. Review status: criteria provided, single submitter. Criteria: Invitae Variant Classification Sherloc (09022015). Collection method: clinical testing. Allele origin: germline.
Comment: This sequence change creates a premature translational stop signal (p.Arg121*) in the GFAP gene. It is expected to result in an absent or disrupted protein product. However, the current clinical and genetic evidence is not sufficient to establish whether loss-of-function variants in GFAP cause disease. The frequency data for this variant in the population databases is considered unreliable, as metrics indicate poor data quality at this position in the gnomAD database. This variant has not been reported in the literature in individuals affected with GFAP-related conditions. ClinVar contains an entry for this variant (Variation ID: 1009079). In summary, the available evidence is currently insufficient to determine the role of this variant in disease. Therefore, it has been classified as a Variant of Uncertain Significance.

PreventionGenetics, part of Exact Sciences
Classification: Uncertain significance for GFAP-related condition. Last evaluated: 2023-05-06. Review status: criteria provided, single submitter. Criteria: ACMG Guidelines, 2015. Collection method: clinical testing. Allele origin: germline.
Comment: The GFAP c.361C>T variant is predicted to result in premature protein termination (p.Arg121*). To our knowledge, this variant has not been reported in the literature. This variant is reported in 2 of ~251,000 alleles in gnomAD. Loss of function is not an established mechanism of GFAP-related disease. At this time, the clinical significance of this variant is uncertain due to the absence of conclusive functional and genetic evidence.

NM_002055.5(GFAP):c.361C>T (p.Arg121Ter)

Gene: GFAP (glial fibrillary acidic protein; minus strand). Cytogenetic location: 17q21.31.
Variant type: single nucleotide variant.
Coding change: c.361C>T on transcript NM_002055.5 (MANE Select); coding-DNA position 361, C replaced by T.
Protein change: p.Arg121Ter; replaces arginine 121 with a stop codon.
Molecular consequence: nonsense.
Genome position (GRCh38, 1-based): chr17:44,915,126, G>A on the plus strand (C>T on the coding strand, the complement: GFAP is on the minus strand). VCF-style: chr17-44915126-G-A. GRCh37 (hg19) VCF-style: chr17-42992494-G-A.
Other names: c.361C>T, p.Arg121Ter (NM_001131019.3, NM_001242376.3, NM_001363846.2); c.361C>T (NM_002055.4); short protein forms R121*.
Identifiers: ClinVar variation 1009079 (VCV001009079.7), dbSNP rs774973273, ClinGen allele CA8609054.